The following is an entry in ClinVar:

NM_001354640.2(CIROP):c.1331dup (p.Leu444fs)

Gene: CIROP (ciliated left-right organizer metallopeptidase; minus strand). Cytogenetic location: 14q11.2.
Variant type: Duplication.
Coding change: c.1331dup on transcript NM_001354640.2 (MANE Select); coding-DNA position 1331, one base duplicated (T; older notation c.1331dupT).
Protein change: p.Leu444fs; shifts the reading frame from leucine 444.
Molecular consequence: frameshift variant.
Genome position (GRCh38, 1-based): chr14:23,101,890, A duplicated on the plus strand (T on the coding strand, the reverse complement: CIROP is on the minus strand); the first of 2 consecutive A bases (chr14:23,101,890-23,101,891); duplicating either gives the same sequence. VCF-style (leftmost placement, unchanged base first): chr14-23101889-C-CA. GRCh37 (hg19) VCF-style: chr14-23571098-C-CA.
Other names: c.1165dup, p.Leu389Phefs (NM_001402427.1); short protein forms L444fs.
Identifiers: ClinVar variation 1804116 (VCV001804116.1), dbSNP rs2503617333, ClinGen allele CA2580087854.

ClinVar aggregate classification (germline): Likely pathogenic (1 of 4 stars; one submission).

Conditions:
Heterotaxy, visceral, 12, autosomal (HTX12). Identifiers: MedGen C5676898, MONDO:0859222, OMIM 619702.

Submission:

Institute of Human Genetics, University of Leipzig Medical Center
Classification: Likely pathogenic for Heterotaxy, visceral, 12, autosomal. Last evaluated: 2022-12-12. Review status: criteria provided, single submitter. Criteria: ACMG Guidelines, 2015. Collection method: clinical testing. Allele origin: unknown. Affected: yes.
Comment: Criteria applied: PVS1, PM2_SUP